The following is an entry in ClinVar:

NM_000264.5(PTCH1):c.1912C>T (p.Arg638Cys)

Genes: PTCH1 (patched 1; minus strand), LOC100507346 (uncharacterized LOC100507346; plus strand). Cytogenetic location: 9q22.32.
Variant type: single nucleotide variant.
Coding change: c.1912C>T on transcript NM_000264.5 (MANE Select); coding-DNA position 1912, C replaced by T.
Protein change: p.Arg638Cys; replaces arginine 638 with cysteine.
Molecular consequence: missense variant. On other transcripts: non-coding transcript variant (2).
Genome position (GRCh38, 1-based): chr9:95,469,089, G>A on the plus strand (C>T on the coding strand, the complement: PTCH1 is on the minus strand). VCF-style: chr9-95469089-G-A. GRCh37 (hg19) VCF-style: chr9-98231371-G-A.
Other names: c.1714C>T, p.Arg572Cys (NM_001083602.3); c.1909C>T, p.Arg637Cys (NM_001083603.3); c.1459C>T, p.Arg487Cys (NM_001083604.3, NM_001083605.3, NM_001083606.3 and 1 more transcripts); c.1756C>T, p.Arg586Cys (NM_001354918.2); short protein forms R572C, R638C, R586C, R487C, R637C.
Identifiers: ClinVar variation 453804 (VCV000453804.14), dbSNP rs1053507002, ClinGen allele CA196586900.

ClinVar aggregate classification (germline): Conflicting classifications of pathogenicity. Review status: criteria provided, conflicting classifications (1 of 4 stars). 2 submissions from 2 submitters: Uncertain significance (1); Benign (1). Last evaluated 2025-12-29.

Conditions:
Hereditary cancer-predisposing syndrome. Also called: Tumor predisposition; Hereditary Cancer Syndrome; Neoplastic Syndromes, Hereditary; Hereditary neoplastic syndrome. Identifiers: Orphanet 140162, MedGen C0027672, MeSH D009386, MONDO:0015356.
Gorlin syndrome. Also called: Basal cell nevus syndrome; Nevoid Basal Cell Carcinoma Syndrome. Identifiers: Orphanet 377, MedGen C0004779, MONDO:0007187.

Allele frequency attached by ClinVar (database versions not stated): gnomAD exomes below 0.00001 and 0.00001; gnomAD 0.00002; TOPMed 0.00002.

Submissions (2):

Labcorp Genetics (formerly Invitae), Labcorp
Classification: Benign for Gorlin syndrome. Last evaluated: 2025-12-29. Review status: criteria provided, single submitter. Criteria: Invitae Variant Classification Sherloc (09022015). Collection method: clinical testing. Allele origin: germline.

Ambry Genetics
Classification: Uncertain significance for Hereditary cancer-predisposing syndrome. Last evaluated: 2024-06-24. Review status: criteria provided, single submitter. Criteria: Ambry Variant Classification Scheme 2023. Collection method: clinical testing. Allele origin: germline.
Comment: The p.R638C variant (also known as c.1912C>T), located in coding exon 14 of the PTCH1 gene, results from a C to T substitution at nucleotide position 1912. The arginine at codon 638 is replaced by cysteine, an amino acid with highly dissimilar properties. This amino acid position is not well conserved in available vertebrate species. In addition, the in silico prediction for this alteration is inconclusive. Based on the available evidence, the clinical significance of this variant remains unclear.